The following is an entry in ClinVar:

NM_000038.6(APC):c.505_509del (p.Arg168_Ile169insTer)

Gene: APC (APC regulator of Wnt signaling pathway; plus strand). Cytogenetic location: 5q22.2.
Variant type: Deletion.
Coding change: c.505_509del on transcript NM_000038.6 (MANE Select); coding-DNA positions 505 to 509, 5 bases deleted (ATAGA; older notation c.505_509delATAGA).
Protein change: p.Arg168_Ile169insTer.
Molecular consequence: nonsense. On other transcripts: 5 prime UTR variant (4), non-coding transcript variant (2).
Genome position (GRCh38, 1-based): chr5:112,775,711-112,775,715, ATAGA deleted; deleting any 5 consecutive bases within chr5:112,775,708-112,775,715 gives the same sequence; the c. name uses the placement nearest the transcript's 3' end. VCF-style (leftmost placement, unchanged base first): chr5-112775707-AAGAAT-A. GRCh37 (hg19) VCF-style: chr5-112111404-AAGAAT-A.
Other names: c.505_509del, p.Arg168_Ile169insTer (NM_001127510.3, NM_001354895.2, NM_001354896.2 and 16 more transcripts); c.535_539del, p.Arg178_Ile179insTer (NM_001127511.3, NM_001354897.2, NM_001354902.2 and 1 more transcripts); c.430_434del, p.Arg143_Ile144insTer (NM_001354898.2, NM_001354904.2, NM_001407451.1); c.328_332del, p.Arg109_Ile110insTer (NM_001354900.2, NM_001354901.2, NM_001354905.2 and 1 more transcripts); c.-531_-527del (NM_001354906.2, NM_001407470.1, NM_001407471.1 and 1 more transcripts).
Identifiers: ClinVar variation 2734754 (VCV002734754.3), dbSNP rs2532415480, ClinGen allele CA658760449.

ClinVar aggregate classification (germline): Pathogenic (1 of 4 stars; one submission).

Conditions:
Familial adenomatous polyposis 1 (FAP1). Also called: POLYPOSIS, ADENOMATOUS INTESTINAL; FAMILIAL ADENOMATOUS POLYPOSIS 1, ATTENUATED. Identifiers: MedGen C2713442, MONDO:0021056, OMIM 175100. Disease mechanism: loss of function.

Submission:

Labcorp Genetics (formerly Invitae), Labcorp
Classification: Pathogenic for Familial adenomatous polyposis 1. Last evaluated: 2023-07-19. Review status: criteria provided, single submitter. Criteria: Invitae Variant Classification Sherloc (09022015). Collection method: clinical testing. Allele origin: germline.
Comment: For these reasons, this variant has been classified as Pathogenic. This premature translational stop signal has been observed in individual(s) with attenuated familial adenomatous polyposis (PMID: 17411426). This variant is not present in population databases (gnomAD no frequency). This sequence change creates a premature translational stop signal (p.Ile169*) in the APC gene. It is expected to result in an absent or disrupted protein product. Loss-of-function variants in APC are known to be pathogenic (PMID: 17963004, 20685668).

Literature cited by the submitters: PubMed 17411426; PubMed 17963004; PubMed 20685668.